The following is an entry in ClinVar:

NM_004946.3(DOCK2):c.4349G>C (p.Arg1450Thr)

Gene: DOCK2 (dedicator of cytokinesis 2; plus strand). Cytogenetic location: 5q35.1.
Variant type: single nucleotide variant.
Coding change: c.4349G>C on transcript NM_004946.3 (MANE Select); coding-DNA position 4349, G replaced by C.
Protein change: p.Arg1450Thr; replaces arginine 1450 with threonine.
Molecular consequence: missense variant. On other transcripts: non-coding transcript variant (1).
Genome position (GRCh38, 1-based): chr5:170,056,737, G>C. VCF-style: chr5-170056737-G-C. GRCh37 (hg19) VCF-style: chr5-169483741-G-C.
Other names: short protein forms R1450T.
Identifiers: ClinVar variation 1469566 (VCV001469566.6), dbSNP rs1294363394, ClinGen allele CA362110712.

ClinVar aggregate classification (germline): Uncertain significance (1 of 4 stars; one submission).

Conditions:
DOCK2 deficiency. Also called: Immunodeficiency 40. Identifiers: Orphanet 447737, MedGen C4225328, MONDO:0014637, OMIM 616433.

gnomAD v4.1: 1 of 1,614,034 alleles (0.000062%); highest among the groups gnomAD compares: Non-Finnish European, 0.000085%; no homozygotes.

Submission:

Labcorp Genetics (formerly Invitae), Labcorp
Classification: Uncertain significance for DOCK2 deficiency. Last evaluated: 2022-05-12. Review status: criteria provided, single submitter. Criteria: Invitae Variant Classification Sherloc (09022015). Collection method: clinical testing. Allele origin: germline.
Comment: In summary, the available evidence is currently insufficient to determine the role of this variant in disease. Therefore, it has been classified as a Variant of Uncertain Significance. Algorithms developed to predict the effect of missense changes on protein structure and function (SIFT, PolyPhen-2, Align-GVGD) all suggest that this variant is likely to be tolerated. This variant has not been reported in the literature in individuals affected with DOCK2-related conditions. This variant is not present in population databases (gnomAD no frequency). This sequence change replaces arginine, which is basic and polar, with threonine, which is neutral and polar, at codon 1450 of the DOCK2 protein (p.Arg1450Thr).